The following is an entry in ClinVar:

ClinVar aggregate classification (germline): Conflicting classifications of pathogenicity. Review status: criteria provided, conflicting classifications (1 of 4 stars). 5 submissions from 5 submitters: Uncertain significance (4); Likely benign (1). Last evaluated 2026-01-20.

Conditions:
Ventricular arrhythmias due to cardiac ryanodine receptor calcium release deficiency syndrome. Also called: Autosomal dominant cardiac arrhythmia (Kuhn). Identifiers: MedGen C5542154, MONDO:0020745, OMIM 115000.
Catecholaminergic polymorphic ventricular tachycardia 1. Also called: VENTRICULAR TACHYCARDIA, CATECHOLAMINERGIC POLYMORPHIC, 1, WITH OR WITHOUT ATRIAL DYSFUNCTION AND/OR DILATED CARDIOMYOPATHY; VENTRICULAR TACHYCARDIA, STRESS-INDUCED POLYMORPHIC 1; RYR2-Related Catecholaminergic Polymorphic Ventricular Tachycardia. Identifiers: Orphanet 3286, MedGen C1631597, MONDO:0011484, OMIM 604772.
Arrhythmogenic right ventricular dysplasia 2. Identifiers: MedGen C1832931.
RYR2-related disorder. Also called: RYR2-related condition.
Cardiomyopathy (CMYO). Also called: Cardiomyopathies. Identifiers: Orphanet 167848, MedGen C0878544, MONDO:0004994, HP:0001638. Inheritance: Various modes of inheritance.
Catecholaminergic polymorphic ventricular tachycardia (CVPT). Also called: Catecholamine-induced polymorphic ventricular tachycardia. Identifiers: Orphanet 3286, MedGen C5574922, MONDO:0017990.

Allele frequency attached by ClinVar (database versions not stated): gnomAD exomes below 0.00001 and 0.00001; TOPMed below 0.00001; gnomAD 0.00002.
gnomAD v4.1: 8 of 1,613,826 alleles (0.0005%); highest among the groups gnomAD compares: African/African-American, 0.0027%; no homozygotes.

Submissions (5):

Labcorp Genetics (formerly Invitae), Labcorp
Classification: Likely benign for Catecholaminergic polymorphic ventricular tachycardia 1. Last evaluated: 2026-01-20. Review status: criteria provided, single submitter. Criteria: Invitae Variant Classification Sherloc (09022015). Collection method: clinical testing. Allele origin: germline.

PreventionGenetics, part of Exact Sciences
Classification: Uncertain significance for RYR2-related condition. Last evaluated: 2025-01-05. Review status: criteria provided, single submitter. Criteria: ACMG Guidelines, 2015. Collection method: clinical testing. Allele origin: germline.
Comment: The RYR2 c.12865A>G variant is predicted to result in the amino acid substitution p.Ser4289Gly. To our knowledge, this variant has not been reported in the literature in individuals with RYR2-related disorders. This variant is reported in 0.0041% of alleles in individuals of African descent in gnomAD. At this time, the clinical significance of this variant is uncertain due to the absence of conclusive functional and genetic evidence.

All of Us Research Program, National Institutes of Health
Classification: Uncertain significance for Catecholaminergic polymorphic ventricular tachycardia. Last evaluated: 2024-08-13. Review status: criteria provided, single submitter. Criteria: ACMG Guidelines, 2015. Collection method: clinical testing. Allele origin: germline. Inheritance: Autosomal dominant inheritance. Observed: 4 variant alleles, 4 heterozygotes.
Comment: This missense variant replaces serine with glycine at codon 4289 of the RYR2 protein. Computational prediction suggests that this variant may not impact protein structure and function (internally defined REVEL score threshold <= 0.5, PMID: 27666373). To our knowledge, functional studies have not been reported for this variant. This variant has not been reported in individuals affected with RYR2-related disorders in the literature. This variant has been identified in 4/280172 chromosomes in the general population by the Genome Aggregation Database (gnomAD). The available evidence is insufficient to determine the role of this variant in disease conclusively. Therefore, this variant is classified as a Variant of Uncertain Significance.

This study involves interpretation of variants in research participants for the purpose of population health screening. Participant phenotype was not available at the time of variant classification. Additional details can be found in publication PMID: 35346344, PMCID: PMC8962531

Color Diagnostics, LLC DBA Color Health
Classification: Uncertain significance for Cardiomyopathy. Last evaluated: 2024-07-31. Review status: criteria provided, single submitter. Criteria: ACMG Guidelines, 2015. Collection method: clinical testing. Allele origin: germline.
Comment: This missense variant replaces serine with glycine at codon 4289 of the RYR2 protein. Computational prediction suggests that this variant may not impact protein structure and function. To our knowledge, functional studies have not been reported for this variant. This variant has not been reported in individuals affected with RYR2-related disorders in the literature. This variant has been identified in 4/280172 chromosomes in the general population by the Genome Aggregation Database (gnomAD). The available evidence is insufficient to determine the role of this variant in disease conclusively. Therefore, this variant is classified as a Variant of Uncertain Significance.

Fulgent Genetics
Classification: Uncertain significance for Ventricular arrhythmias due to cardiac ryanodine receptor calcium release deficiency syndrome; Catecholaminergic polymorphic ventricular tachycardia 1. Last evaluated: 2021-10-06. Review status: criteria provided, single submitter. Criteria: ACMG Guidelines, 2015. Collection method: clinical testing. Allele origin: unknown.

NM_001035.3(RYR2):c.12865A>G (p.Ser4289Gly)

Genes: RYR2 (ryanodine receptor 2; plus strand), LOC126806068 (BRD4-independent group 4 enhancer GRCh37_chr1:237947411-237948610; plus strand). Cytogenetic location: 1q43.
Variant type: single nucleotide variant.
Coding change: c.12865A>G on transcript NM_001035.3 (MANE Select); coding-DNA position 12865, A replaced by G.
Protein change: p.Ser4289Gly; replaces serine 4289 with glycine.
Molecular consequence: missense variant.
Genome position (GRCh38, 1-based): chr1:237,784,577, A>G. VCF-style: chr1-237784577-A-G. GRCh37 (hg19) VCF-style: chr1-237947877-A-G.
Other names: c.12865A>G (NM_001035.2); short protein forms S4289G.
Identifiers: ClinVar variation 1014648 (VCV001014648.12), dbSNP rs1386632671, ClinGen allele CA345414501.